The following is an entry in ClinVar:

ClinVar aggregate classification (germline): Likely benign (1 of 4 stars; one submission).

Conditions:
HTR2C-related disorder. Also called: HTR2C-related condition.

gnomAD v4.1: 8 of 1,209,047 alleles (0.00066%); highest among the groups gnomAD compares: African/African-American, 0.007%; no homozygotes.

Submission:

PreventionGenetics, part of Exact Sciences
Classification: Likely benign for HTR2C-related condition. Last evaluated: 2026-04-02. Review status: criteria provided, single submitter. Criteria: ACMG Guidelines, 2015. Collection method: clinical testing. Allele origin: germline.
Comment: This variant is classified as likely benign based on ACMG/AMP sequence variant interpretation guidelines (Richards et al. 2015 PMID: 25741868, with internal and published modifications).

NM_000868.4(HTR2C):c.930G>A (p.Ser310=)

Genes: HTR2C (5-hydroxytryptamine receptor 2C; plus strand), LOC126863306 (MED14-independent group 3 enhancer GRCh37_chrX:114140926-114142125; plus strand). Cytogenetic location: Xq23.
Variant type: single nucleotide variant.
Coding change: c.930G>A on transcript NM_000868.4 (MANE Select); coding-DNA position 930, G replaced by A.
Protein change: p.Ser310=; no amino-acid change (serine 310 retained).
Molecular consequence: synonymous variant. On other transcripts: 3 prime UTR variant (1).
Genome position (GRCh38, 1-based): chrX:114,906,968, G>A. VCF-style: chrX-114906968-G-A. GRCh37 (hg19) VCF-style: chrX-114141531-G-A.
Other names: c.930G>A, p.Ser310= (NM_001256760.3); c.*88G>A (NM_001256761.3).
Identifiers: ClinVar variation 4978669 (VCV004978669.1).